The following is an entry in ClinVar:

NM_001009944.3(PKD1):c.12514del (p.Ser4172fs)

Gene: PKD1 (polycystin 1, transient receptor potential channel interacting; minus strand). Cytogenetic location: 16p13.3.
Variant type: Deletion.
Coding change: c.12514del on transcript NM_001009944.3 (MANE Select); coding-DNA position 12514, one base deleted (T; older notation c.12514delT).
Protein change: p.Ser4172fs; shifts the reading frame from serine 4172.
Molecular consequence: frameshift variant.
Genome position (GRCh38, 1-based): chr16:2,090,125, A deleted on the plus strand (T on the coding strand, the reverse complement: PKD1 is on the minus strand). VCF-style (leftmost placement, unchanged base first): chr16-2090124-GA-G. GRCh37 (hg19) VCF-style: chr16-2140125-GA-G.
Other names: c.12511del, p.Ser4171fs (NM_000296.4); short protein forms S4171fs, S4172fs.
Identifiers: ClinVar variation 434009 (VCV000434009.5), dbSNP rs1555444225, ClinGen allele CA645373027.

ClinVar aggregate classification (germline): Conflicting classifications of pathogenicity. Review status: criteria provided, conflicting classifications (1 of 4 stars). 3 submissions from 3 submitters: Likely pathogenic (1); Uncertain significance (1). 1 of the submissions does not count toward it. Last evaluated 2024-01-29.

Conditions:
Polycystic kidney disease. Also called: Kidney, Polycystic; Polycystic kidney dysplasia. Identifiers: MedGen C0022680, MeSH D007690, MONDO:0020642, HP:0000113.
Polycystic kidney disease, adult type (PKD1). Also called: Polycystic Kidney, Autosomal Dominant; POLYCYSTIC KIDNEY DISEASE 1 WITH OR WITHOUT POLYCYSTIC LIVER DISEASE; POLYCYSTIC KIDNEY DISEASE, ADULT, TYPE I; Polycystic Kidney Disease 1, Autosomal Dominant; Polycystic kidney disease 1; Polycystic kidney disease 1, severe. Identifiers: MedGen C3149841, MONDO:0008263, OMIM 173900.

Submissions (3):

Fulgent Genetics
Classification: Likely pathogenic for Polycystic kidney disease, adult type. Last evaluated: 2024-01-29. Review status: criteria provided, single submitter. Criteria: ACMG Guidelines, 2015. Collection method: clinical testing. Allele origin: germline.

3billion
Classification: Uncertain significance for Polycystic kidney disease, adult type. Last evaluated: 2023-02-23. Review status: criteria provided, single submitter. Criteria: ACMG Guidelines, 2015. Collection method: clinical testing. Allele origin: unknown. Affected: yes.
Comment: The variant is not observed in the gnomAD v2.1.1 dataset. This variant was predicted to result in a loss or disruption of normal protein function through protein truncation. The predicted truncated protein may be shortened by less than 10%. The variant has been reported to be associated with PKD1 -related disorder (ClinVar ID: VCV000434009 / PMID: 10729710). However, the evidence of pathogenicity is insufficient at this time. Therefore, this variant is classified as VUS according to the recommendation of ACMG/AMP guideline.

Department of Pathology and Laboratory Medicine, Sinai Health System
Classification: Pathogenic for Polycystic Kidney disease. Review status: no assertion criteria provided. Collection method: clinical testing. Allele origin: unknown. Affected: yes. Study: The Canadian Open Genetics Repository (COGR). Not counted in ClinVar's aggregate classification.
Comment: The PKD1 p.Ser4172ProfsX26 variant was identified in 1 of 182 proband chromosomes (frequency: 0.005) from individuals ADPKD, and was not identified in 100 control chromosomes from healthy individuals (Kim 2000). The variant was also identified in the ADPKD Mutation Database classified as â€šÃ„ÃºDefinitely Pathogenicâ€šÃ„Ã¹. This variant was not was it identified in dbSNP, the 1000 Genomes Project, the NHLBI Exome Sequencing Project, the Exome Aggregation Consortium, GeneInsight COGR, ClinVar, Clinvitae, MutDB, or PKD1-LOVD, or PKD1-LOVD 3.0. The variant occurs outside of the splicing consensus sequence and in silico or computational prediction software programs (SpliceSiteFinder, MaxEntScan, NNSPLICE, GeneSplicer, HumanSpliceFinder) do not predict a difference in splicing. The c.12514delT variant is predicted to cause a frameshift, which alters the protein amino acid sequence beginning at codon 4172 and leads to a premature stop codon 26 codons downstream. This alteration is then predicted to result in a truncated or absent protein and loss of function. Notably, this variant occurs in the last exon of the gene and stop codon or nonsense mutations in this region may not be subjected to nonsense mediated RNA decay, although further study would be required to validate this hypothesis and it is currently not possible to determine whether or not this might influence the severity of the disorder. However the ADPKD mutation database lists multiple frameshift and stop codons in this region and classifies these as pathogenic. Moreover the above study by Kim et al showed segregation of this variant in 4 affected individuals in the probandâ€šÃ„Ã´s family. In summary, based on the above information, this variant meets our laboratoryâ€šÃ„Ã´s criteria to be classified as pathogenic.

Literature cited by the submitters: PubMed 10729710 (cited by 3billion).